The following is an entry in ClinVar:

ClinVar aggregate classification (germline): Uncertain significance (1 of 4 stars; one submission).

Conditions:
Joubert syndrome 23 (JBTS23). Identifiers: Orphanet 475, MedGen C4084822, MONDO:0014664, OMIM 616490.
Short-rib thoracic dysplasia 14 with polydactyly (SRTD14). Identifiers: Orphanet 397715, MedGen C4225286, MONDO:0014688, OMIM 616546.

Allele frequency attached by ClinVar (database versions not stated): gnomAD 0.00001.
gnomAD v4.1: 5 of 1,613,540 alleles (0.00031%); highest among the groups gnomAD compares: Admixed American, 0.0067%; no homozygotes.

Submission:

Labcorp Genetics (formerly Invitae), Labcorp
Classification: Uncertain significance for Joubert syndrome 23; Short-rib thoracic dysplasia 14 with polydactyly. Last evaluated: 2024-10-22. Review status: criteria provided, single submitter. Criteria: Invitae Variant Classification Sherloc (09022015). Collection method: clinical testing. Allele origin: germline.
Comment: This sequence change replaces threonine, which is neutral and polar, with asparagine, which is neutral and polar, at codon 1170 of the KIAA0586 protein (p.Thr1170Asn). This variant is present in population databases (rs758962196, gnomAD 0.009%). This variant has not been reported in the literature in individuals affected with KIAA0586-related conditions. ClinVar contains an entry for this variant (Variation ID: 1416225). Invitae Evidence Modeling of protein sequence and biophysical properties (such as structural, functional, and spatial information, amino acid conservation, physicochemical variation, residue mobility, and thermodynamic stability) indicates that this missense variant is expected to disrupt KIAA0586 protein function with a positive predictive value of 80%. In summary, the available evidence is currently insufficient to determine the role of this variant in disease. Therefore, it has been classified as a Variant of Uncertain Significance.

NM_001329943.3(KIAA0586):c.3350C>A (p.Thr1117Asn)

Gene: KIAA0586 (KIAA0586; plus strand). Cytogenetic location: 14q23.1.
Variant type: single nucleotide variant.
Coding change: c.3350C>A on transcript NM_001329943.3 (MANE Select); coding-DNA position 3350, C replaced by A.
Protein change: p.Thr1117Asn; replaces threonine 1117 with asparagine.
Molecular consequence: missense variant.
Genome position (GRCh38, 1-based): chr14:58,487,932, C>A. VCF-style: chr14-58487932-C-A. GRCh37 (hg19) VCF-style: chr14-58954650-C-A.
Other names: c.3509C>A, p.Thr1170Asn (NM_001244189.2); c.3305C>A, p.Thr1102Asn (NM_001244190.2); c.3095C>A, p.Thr1032Asn (NM_001244191.2, NM_001329945.2, NM_001364700.1 and 1 more transcripts); c.3218C>A, p.Thr1073Asn (NM_001244192.2); c.2930C>A, p.Thr977Asn (NM_001244193.2); c.3350C>A, p.Thr1117Asn (NM_001329944.2, NM_001329946.2, NM_001329947.2); c.3122C>A, p.Thr1041Asn (NM_014749.5); short protein forms T1117N, T1170N, T1073N, T977N, T1032N, T1041N, T1102N.
Identifiers: ClinVar variation 1416225 (VCV001416225.5), dbSNP rs758962196, ClinGen allele CA7206142.